The following is an entry in ClinVar:

NM_017780.4(CHD7):c.3322C>T (p.His1108Tyr)

Gene: CHD7 (chromodomain helicase DNA binding protein 7; plus strand). Cytogenetic location: 8q12.2.
Variant type: single nucleotide variant.
Coding change: c.3322C>T on transcript NM_017780.4 (MANE Select); coding-DNA position 3322, C replaced by T.
Protein change: p.His1108Tyr; replaces histidine 1108 with tyrosine.
Molecular consequence: missense variant. On other transcripts: intron variant (1).
Genome position (GRCh38, 1-based): chr8:60,823,960, C>T. VCF-style: chr8-60823960-C-T. GRCh37 (hg19) VCF-style: chr8-61736519-C-T.
Other names: c.3322C>T (LRG_176t1); c.1717-38269C>T (NM_001316690.1); short protein forms H1108Y.
Identifiers: ClinVar variation 423051 (VCV000423051.4), dbSNP rs1064796196, ClinGen allele CA16618663.

ClinVar aggregate classification (germline): Likely pathogenic (1 of 4 stars; one submission).

Submission:

GeneDx
Classification: Likely pathogenic. Last evaluated: 2023-03-25. Review status: criteria provided, single submitter. Criteria: GeneDx Variant Classification Process June 2021. Collection method: clinical testing. Allele origin: germline. Affected: yes.
Comment: Not observed at significant frequency in large population cohorts (gnomAD); In silico analysis supports that this missense variant has a deleterious effect on protein structure/function; Has not been previously published as pathogenic or benign to our knowledge